The following is an entry in ClinVar:

NM_152594.3(SPRED1):c.567A>T (p.Gln189His)

Gene: SPRED1 (sprouty related EVH1 domain containing 1; plus strand). Cytogenetic location: 15q14.
Variant type: single nucleotide variant.
Coding change: c.567A>T on transcript NM_152594.3 (MANE Select); coding-DNA position 567, A replaced by T.
Protein change: p.Gln189His; replaces glutamine 189 with histidine.
Molecular consequence: missense variant.
Genome position (GRCh38, 1-based): chr15:38,339,880, A>T. VCF-style: chr15-38339880-A-T. GRCh37 (hg19) VCF-style: chr15-38632081-A-T.
Other names: c.567A>T (NM_152594.2); short protein forms Q189H.
Identifiers: ClinVar variation 1916832 (VCV001916832.7), dbSNP rs764990934, ClinGen allele CA7470111.

ClinVar aggregate classification (germline): Uncertain significance. Review status: criteria provided, multiple submitters, no conflicts (2 of 4 stars). 2 submissions from 2 submitters: Uncertain significance (2). Last evaluated 2025-11-19.

Conditions:
Cardiovascular phenotype. Identifiers: MedGen CN230736.
Legius syndrome. Identifiers: Orphanet 137605, MedGen C1969623, MONDO:0012669, OMIM 611431. Disease mechanism: loss of function.

gnomAD v4.1: 2 of 1,613,890 alleles (0.00012%); highest among the groups gnomAD compares: Non-Finnish European, 0.00017%; no homozygotes.

Submissions (2):

Ambry Genetics
Classification: Uncertain significance for Cardiovascular phenotype. Last evaluated: 2025-11-19. Review status: criteria provided, single submitter. Criteria: Ambry Variant Classification Scheme 2023. Collection method: clinical testing. Allele origin: germline.
Comment: The p.Q189H variant (also known as c.567A>T), located in coding exon 5 of the SPRED1 gene, results from an A to T substitution at nucleotide position 567. The glutamine at codon 189 is replaced by histidine, an amino acid with highly similar properties. This amino acid position is conserved. In addition, this alteration is predicted to be tolerated by in silico analysis. Since supporting evidence is limited at this time, the clinical significance of this alteration remains unclear.

Labcorp Genetics (formerly Invitae), Labcorp
Classification: Uncertain significance for Legius syndrome. Last evaluated: 2021-12-18. Review status: criteria provided, single submitter. Criteria: Invitae Variant Classification Sherloc (09022015). Collection method: clinical testing. Allele origin: germline.
Comment: This sequence change replaces glutamine, which is neutral and polar, with histidine, which is basic and polar, at codon 189 of the SPRED1 protein (p.Gln189His). This variant is present in population databases (rs764990934, gnomAD 0.0009%). This variant has not been reported in the literature in individuals affected with SPRED1-related conditions. Algorithms developed to predict the effect of missense changes on protein structure and function (SIFT, PolyPhen-2, Align-GVGD) all suggest that this variant is likely to be tolerated. In summary, the available evidence is currently insufficient to determine the role of this variant in disease. Therefore, it has been classified as a Variant of Uncertain Significance.